The following is an entry in ClinVar:

NM_017886.4(ULK4):c.903C>T (p.Asn301=)

Gene: ULK4 (unc-51 like kinase 4; minus strand). Cytogenetic location: 3p22.1.
Variant type: single nucleotide variant.
Coding change: c.903C>T on transcript NM_017886.4 (MANE Select); coding-DNA position 903, C replaced by T.
Protein change: p.Asn301=; no amino-acid change (asparagine 301 retained).
Molecular consequence: synonymous variant. On other transcripts: 5 prime UTR variant (1), non-coding transcript variant (1).
Genome position (GRCh38, 1-based): chr3:41,911,653, G>A on the plus strand (C>T on the coding strand, the complement: ULK4 is on the minus strand). VCF-style: chr3-41911653-G-A. GRCh37 (hg19) VCF-style: chr3-41953145-G-A.
Other names: c.903C>T, p.Asn301= (NM_001322500.2); c.-4C>T (NM_001322501.2).
Identifiers: ClinVar variation 2653698 (VCV002653698.24), dbSNP rs201224884, ClinGen allele CA2332533.
Genomic context (GRCh38, chr3:41,911,653, plus strand): 5'-TCTACTCTGAGAGTTCTGCAAAAGCTCCTTGGAATCTTGTGGCCCAGAACACTCCATAGT[G>A]TTTCTGCTATTATTGGAGAAAACCAACACAATCAAACTTACTTTGGAGTTCTCTATAGTT-3'
Protein context (NP_060356.2, residues 291-311): SSVEDLSLSR[Asn301=]TMECSGPQDS

ClinVar aggregate classification (germline): Likely benign (1 of 4 stars; one submission).

Allele frequency attached by ClinVar (database versions not stated): 1000 Genomes Project 30x 0.00016; 1000 Genomes Project 0.00020; gnomAD 0.00041; TOPMed 0.00050; gnomAD exomes 0.00051; ExAC 0.00058; ESP Exome Variant Server 0.00068.
gnomAD v4.1: 857 of 1,611,540 alleles (0.053%); highest among the groups gnomAD compares: Middle Eastern, 0.66%; 3 homozygotes.

Submission:

CeGaT Center for Human Genetics Tuebingen
Classification: Likely benign. Last evaluated: 2022-04-01. Review status: criteria provided, single submitter. Criteria: CeGaT Center For Human Genetics Tuebingen Variant Classification Criteria Version 2. Collection method: clinical testing. Allele origin: germline. Affected: yes. Observed: 1 variant allele.
Comment: ULK4: BP4, BP7